The following is an entry in ClinVar:

ClinVar aggregate classification (germline): Uncertain significance (1 of 4 stars; one submission).

Conditions:
Ullrich congenital muscular dystrophy 2 (UCMD2). Identifiers: Orphanet 75840, MedGen C4225314, MONDO:0014654, OMIM 616470.
Bethlem myopathy 2 (BTHLM2). Identifiers: Orphanet 536516, Orphanet 610, MedGen C4225313, MONDO:0034022, OMIM 616471.

Submission:

Labcorp Genetics (formerly Invitae), Labcorp
Classification: Uncertain significance for Bethlem myopathy 2; Ullrich congenital muscular dystrophy 2. Last evaluated: 2025-05-19. Review status: criteria provided, single submitter. Criteria: Invitae Variant Classification Sherloc (09022015). Collection method: clinical testing. Allele origin: germline.
Comment: This sequence change replaces proline, which is neutral and non-polar, with alanine, which is neutral and non-polar, at codon 2758 of the COL12A1 protein (p.Pro2758Ala). This variant is not present in population databases (gnomAD no frequency). This variant has not been reported in the literature in individuals affected with COL12A1-related conditions. Invitae Evidence Modeling of protein sequence and biophysical properties (such as structural, functional, and spatial information, amino acid conservation, physicochemical variation, residue mobility, and thermodynamic stability) indicates that this missense variant is not expected to disrupt COL12A1 protein function with a negative predictive value of 80%. In summary, the available evidence is currently insufficient to determine the role of this variant in disease. Therefore, it has been classified as a Variant of Uncertain Significance.

NM_004370.6(COL12A1):c.8272C>G (p.Pro2758Ala)

Gene: COL12A1 (collagen type XII alpha 1 chain; minus strand). Cytogenetic location: 6q13.
Variant type: single nucleotide variant.
Coding change: c.8272C>G on transcript NM_004370.6 (MANE Select); coding-DNA position 8272, C replaced by G.
Protein change: p.Pro2758Ala; replaces proline 2758 with alanine.
Molecular consequence: missense variant.
Genome position (GRCh38, 1-based): chr6:75,103,804, G>C on the plus strand (C>G on the coding strand, the complement: COL12A1 is on the minus strand). VCF-style: chr6-75103804-G-C. GRCh37 (hg19) VCF-style: chr6-75813520-G-C.
Other names: c.8272C>G, p.Pro2758Ala (NM_001424113.1); c.8251C>G, p.Pro2751Ala (NM_001424114.1); c.7999C>G, p.Pro2667Ala (NM_001424115.1); c.4780C>G, p.Pro1594Ala (NM_001424116.1, NM_080645.3); short protein forms P2751A, P2758A, P1594A, P2667A.
Identifiers: ClinVar variation 4790187 (VCV004790187.1).